The following is an entry in ClinVar:

NM_001177693.2(ARHGEF28):c.3632G>T (p.Arg1211Ile)

Gene: ARHGEF28 (Rho guanine nucleotide exchange factor 28; plus strand). Cytogenetic location: 5q13.2.
Variant type: single nucleotide variant.
Coding change: c.3632G>T on transcript NM_001177693.2 (MANE Select); coding-DNA position 3632, G replaced by T.
Protein change: p.Arg1211Ile; replaces arginine 1211 with isoleucine.
Molecular consequence: missense variant.
Genome position (GRCh38, 1-based): chr5:73,893,262, G>T. VCF-style: chr5-73893262-G-T. GRCh37 (hg19) VCF-style: chr5-73189087-G-T.
Other names: c.3632G>T, p.Arg1211Ile (NM_001080479.3, NM_001388078.1); c.2693G>T, p.Arg898Ile (NM_001244364.2); c.3338G>T, p.Arg1113Ile (NM_001388076.1); short protein forms R1113I, R1211I, R898I.
Identifiers: ClinVar variation 3040973 (VCV003040973.15), dbSNP rs200092937, ClinGen allele CA3305122.

ClinVar aggregate classification (germline): Likely benign. Review status: criteria provided, single submitter (1 of 4 stars). 2 submissions from 2 submitters: Likely benign (1). 1 of the submissions does not count toward it. Last evaluated 2025-01-01.

Conditions:
ARHGEF28-related disorder. Also called: ARHGEF28-related condition.

Allele frequency attached by ClinVar (database versions not stated): ESP Exome Variant Server 0.00041; 1000 Genomes Project 0.00060; 1000 Genomes Project 30x 0.00062; TOPMed 0.00076; gnomAD 0.00088; ExAC 0.00109.
gnomAD v4.1: 1,816 of 1,557,882 alleles (0.12%); highest among the groups gnomAD compares: Non-Finnish European, 0.13%; 1 homozygote.

Submissions (2):

CeGaT Center for Human Genetics Tuebingen
Classification: Likely benign. Last evaluated: 2025-01-01. Review status: criteria provided, single submitter. Criteria: CeGaT Center For Human Genetics Tuebingen Variant Classification Criteria Version 2. Collection method: clinical testing. Allele origin: germline. Affected: yes. Observed: 1 variant allele.
Comment: ARHGEF28: BP4

PreventionGenetics, part of Exact Sciences
Classification: Likely benign for ARHGEF28-related condition. Last evaluated: 2022-11-28. Review status: no assertion criteria provided. Collection method: clinical testing. Allele origin: germline. Not counted in ClinVar's aggregate classification.
Comment: This variant is classified as likely benign based on ACMG/AMP sequence variant interpretation guidelines (Richards et al. 2015 PMID: 25741868, with internal and published modifications).